The following is an entry in ClinVar:

ClinVar aggregate classification (germline): Uncertain significance (1 of 4 stars; one submission).

Conditions:
Gamma-aminobutyric acid transaminase deficiency (GABATD). Also called: GABA transaminase deficiency; Gamma aminobutyrate transaminase deficiency; 4 alpha aminobutyrate transaminase deficiency; GABA aminotransaminase deficiency. Identifiers: Orphanet 2066, MedGen C0342708, MONDO:0013166, OMIM 613163.

Allele frequency attached by ClinVar (database versions not stated): gnomAD exomes 0.00002 and 0.00008; ExAC 0.00003; TOPMed 0.00004; gnomAD 0.00007.
gnomAD v4.1: 116 of 1,614,014 alleles (0.0072%); highest among the groups gnomAD compares: Non-Finnish European, 0.0097%; no homozygotes.

Submission:

Labcorp Genetics (formerly Invitae), Labcorp
Classification: Uncertain significance for Gamma-aminobutyric acid transaminase deficiency. Last evaluated: 2022-06-29. Review status: criteria provided, single submitter. Criteria: Invitae Variant Classification Sherloc (09022015). Collection method: clinical testing. Allele origin: germline.
Comment: This sequence change replaces threonine, which is neutral and polar, with methionine, which is neutral and non-polar, at codon 477 of the ABAT protein (p.Thr477Met). This variant is present in population databases (rs778305265, gnomAD 0.007%). This variant has not been reported in the literature in individuals affected with ABAT-related conditions. ClinVar contains an entry for this variant (Variation ID: 959766). Algorithms developed to predict the effect of missense changes on protein structure and function output the following: SIFT: "Deleterious"; PolyPhen-2: "Benign"; Align-GVGD: "Class C0". The methionine amino acid residue is found in multiple mammalian species, which suggests that this missense change does not adversely affect protein function. In summary, the available evidence is currently insufficient to determine the role of this variant in disease. Therefore, it has been classified as a Variant of Uncertain Significance.

NM_020686.6(ABAT):c.1430C>T (p.Thr477Met)

Gene: ABAT (4-aminobutyrate aminotransferase; plus strand). Cytogenetic location: 16p13.2.
Variant type: single nucleotide variant.
Coding change: c.1430C>T on transcript NM_020686.6 (MANE Select); coding-DNA position 1430, C replaced by T.
Protein change: p.Thr477Met; replaces threonine 477 with methionine.
Molecular consequence: missense variant.
Genome position (GRCh38, 1-based): chr16:8,781,357, C>T. VCF-style: chr16-8781357-C-T. GRCh37 (hg19) VCF-style: chr16-8875214-C-T.
Other names: c.1430C>T, p.Thr477Met (NM_000663.5, NM_001127448.2, NM_001386600.1 and 4 more transcripts); c.1391C>T, p.Thr464Met (NM_001386605.1); c.1367C>T, p.Thr456Met (NM_001386606.1, NM_001386607.1); c.1337C>T, p.Thr446Met (NM_001386608.1); c.1318C>T, p.Arg440Cys (NM_001386609.1); c.1295C>T, p.Thr432Met (NM_001386610.1, NM_001386611.1); c.1232C>T, p.Thr411Met (NM_001386612.1, NM_001386613.1); c.1184C>T, p.Thr395Met (NM_001386614.1); and 2 more; short protein forms T477M, R440C, R497C, T395M, T411M, T432M, T446M, T456M.
Identifiers: ClinVar variation 959766 (VCV000959766.5), dbSNP rs778305265, ClinGen allele CA7893575.
Genomic context (GRCh38, chr16:8,781,357, plus strand): 5'-TGCCTCTTTCAGGTGTGGTGTTGGGTGGCTGTGGTGACAAATCCATTCGTTTCCGTCCCA[C>T]GCTGGTCTTCAGGGATCACCACGCTCACCTGTTCCTCAATATTTTCAGTGACATCTTAGC-3'
Protein context (NP_065737.2, residues 467-487): CGDKSIRFRP[Thr477Met]LVFRDHHAHL